The following is an entry in ClinVar:

ClinVar aggregate classification (germline): Likely pathogenic (1 of 4 stars; one submission).

Conditions:
Global developmental delay with speech and behavioral abnormalities. Identifiers: MedGen C5543226, MONDO:0030995, OMIM 619243.

Submission:

Greenwood Genetic Center Diagnostic Laboratories, Greenwood Genetic Center
Classification: Likely pathogenic for Global developmental delay with speech and behavioral abnormalities. Last evaluated: 2022-12-08. Review status: criteria provided, single submitter. Criteria: ACMG Guidelines, 2015. Collection method: clinical testing. Allele origin: germline. Affected: yes.
Comment: PVS1, PM2

NM_001162501.2(TNRC6B):c.4921_4922insCC (p.Gly1641fs)

Gene: TNRC6B (trinucleotide repeat containing adaptor 6B; plus strand). Cytogenetic location: 22q13.1.
Variant type: Insertion.
Coding change: c.4921_4922insCC on transcript NM_001162501.2 (MANE Select); coding-DNA positions 4921 to 4922, CC inserted.
Protein change: p.Gly1641fs; shifts the reading frame from glycine 1641.
Molecular consequence: frameshift variant.
Genome position: GRCh38 VCF-style: chr22-40315959-G-GCC. GRCh37 (hg19) VCF-style: chr22-40711963-G-GCC.
Other names: c.2509_2510insCC, p.Gly837fs (NM_001024843.2); c.4591_4592insCC, p.Gly1531fs (NM_015088.3); short protein forms G1531fs, G1641fs, G837fs.
Identifiers: ClinVar variation 2429018 (VCV002429018.4), dbSNP rs2518047038, ClinGen allele CA2580099895.
Genomic context (GRCh38, chr22:40,315,959, plus strand): 5'-TTGTTTTATTTCTCTTCCTAACCATTTTTCTGGTTGCTCATAGCCTCTACCTGGAGTGAT[G>GCC]GTGGCTCAGTTCGTCCTAGTTACTGGCTGGTTCTTCACAATCTCACCCCACAGGTAATTA-3'